The following is an entry in ClinVar:

NM_004304.5(ALK):c.4696A>G (p.Met1566Val)

Gene: ALK (ALK receptor tyrosine kinase; minus strand). Cytogenetic location: 2p23.2.
Variant type: single nucleotide variant.
Coding change: c.4696A>G on transcript NM_004304.5 (MANE Select); coding-DNA position 4696, A replaced by G.
Protein change: p.Met1566Val; replaces methionine 1566 with valine.
Molecular consequence: missense variant.
Genome position (GRCh38, 1-based): chr2:29,193,391, T>C on the plus strand (A>G on the coding strand, the complement: ALK is on the minus strand). VCF-style: chr2-29193391-T-C. GRCh37 (hg19) VCF-style: chr2-29416257-T-C.
Other names: c.1492A>G, p.Met498Val (NM_001353765.2); short protein forms M1566V, M498V.
Identifiers: ClinVar variation 573928 (VCV000573928.14), dbSNP rs1558603299, ClinGen allele CA346460441.

ClinVar aggregate classification (germline): Uncertain significance. Review status: criteria provided, multiple submitters, no conflicts (2 of 4 stars). 2 submissions from 2 submitters: Uncertain significance (2). Last evaluated 2025-09-03.

Conditions:
Hereditary cancer-predisposing syndrome. Also called: Hereditary neoplastic syndrome; Neoplastic Syndromes, Hereditary; Hereditary Cancer Syndrome; Tumor predisposition. Identifiers: Orphanet 140162, MedGen C0027672, MeSH D009386, MONDO:0015356.
Neuroblastoma, susceptibility to, 3. Also called: ALK-Related Neuroblastic Tumor Susceptibility. Identifiers: Orphanet 635, MedGen C2751681, MONDO:0013083, OMIM 613014.

Allele frequency attached by ClinVar (database versions not stated): gnomAD exomes below 0.00001.

Submissions (2):

Labcorp Genetics (formerly Invitae), Labcorp
Classification: Uncertain significance for Neuroblastoma, susceptibility to, 3. Last evaluated: 2025-09-03. Review status: criteria provided, single submitter. Criteria: Invitae Variant Classification Sherloc (09022015). Collection method: clinical testing. Allele origin: germline.
Comment: This sequence change replaces methionine, which is neutral and non-polar, with valine, which is neutral and non-polar, at codon 1566 of the ALK protein (p.Met1566Val). This variant is not present in population databases (gnomAD no frequency). This variant has not been reported in the literature in individuals affected with ALK-related conditions. ClinVar contains an entry for this variant (Variation ID: 573928). An algorithm developed to predict the effect of missense changes on protein structure and function outputs the following: PolyPhen-2: "Benign". The valine amino acid residue is found in multiple mammalian species, which suggests that this missense change does not adversely affect protein function. In summary, the available evidence is currently insufficient to determine the role of this variant in disease. Therefore, it has been classified as a Variant of Uncertain Significance.

Ambry Genetics
Classification: Uncertain significance for Hereditary cancer-predisposing syndrome. Last evaluated: 2022-08-07. Review status: criteria provided, single submitter. Criteria: Ambry Variant Classification Scheme 2023. Collection method: clinical testing. Allele origin: germline.
Comment: The p.M1566V variant (also known as c.4696A>G), located in coding exon 29 of the ALK gene, results from an A to G substitution at nucleotide position 4696. The methionine at codon 1566 is replaced by valine, an amino acid with highly similar properties. This amino acid position is conserved. In addition, this alteration is predicted to be tolerated by in silico analysis. Since supporting evidence is limited at this time, the clinical significance of this alteration remains unclear.